The following is an entry in ClinVar:

ClinVar aggregate classification (germline): Uncertain significance (1 of 4 stars; one submission).

Submission:

Labcorp Genetics (formerly Invitae), Labcorp
Classification: Uncertain significance. Last evaluated: 2024-06-03. Review status: criteria provided, single submitter. Criteria: Invitae Variant Classification Sherloc (09022015). Collection method: clinical testing. Allele origin: germline.
Comment: This sequence change affects an acceptor splice site in intron 32 of the MYH7B gene. It is expected to disrupt RNA splicing. Variants that disrupt the donor or acceptor splice site typically lead to a loss of protein function (PMID: 16199547), however the current clinical and genetic evidence is not sufficient to establish whether loss-of-function variants in MYH7B cause disease. This variant is present in population databases (rs758607689, gnomAD 0.003%). This variant has not been reported in the literature in individuals affected with MYH7B-related conditions. Experimental studies and prediction algorithms are not available or were not evaluated, and the functional significance of this variant is currently unknown. Algorithms developed to predict the effect of sequence changes on RNA splicing suggest that this variant may disrupt the consensus splice site. In summary, the available evidence is currently insufficient to determine the role of this variant in disease. Therefore, it has been classified as a Variant of Uncertain Significance.

Literature cited by the submitters: PubMed 16199547.

NM_020884.7(MYH7B):c.3748-2A>T

Gene: MYH7B (myosin heavy chain 7B; plus strand). Cytogenetic location: 20q11.22.
Variant type: single nucleotide variant.
Coding change: c.3748-2A>T on transcript NM_020884.7 (MANE Select); the canonical splice acceptor site of the intron before coding-DNA position 3748, A replaced by T.
Molecular consequence: splice acceptor variant.
Genome position (GRCh38, 1-based): chr20:34,998,293, A>T. VCF-style: chr20-34998293-A-T. GRCh37 (hg19) VCF-style: chr20-33586096-A-T.
Identifiers: ClinVar variation 3718256 (VCV003718256.2).
Genomic context (GRCh38, chr20:34,998,293, plus strand): 5'-TGATGCACAAACTTGTTCTGACATCTAACTCCTGACCCCTGACTCCCAACCTGGGATCCT[A>T]GGCCAGTGCAGAGAAGCTGTGCCGGACCTATGAGGATCAGCTAAGCGAGGCCAAGATCAA-3'